The following is an entry in ClinVar:

ClinVar aggregate classification (germline): Uncertain significance (1 of 4 stars; one submission).

Allele frequency attached by ClinVar (database versions not stated): gnomAD exomes below 0.00001; TOPMed below 0.00001.
gnomAD v4.1: 5 of 1,613,966 alleles (0.00031%); highest among the groups gnomAD compares: Middle Eastern, 0.016%; no homozygotes.

Submission:

Labcorp Genetics (formerly Invitae), Labcorp
Classification: Uncertain significance. Last evaluated: 2022-10-28. Review status: criteria provided, single submitter. Criteria: Invitae Variant Classification Sherloc (09022015). Collection method: clinical testing. Allele origin: germline.
Comment: In summary, the available evidence is currently insufficient to determine the role of this variant in disease. Therefore, it has been classified as a Variant of Uncertain Significance. Advanced modeling of protein sequence and biophysical properties (such as structural, functional, and spatial information, amino acid conservation, physicochemical variation, residue mobility, and thermodynamic stability) performed at Invitae indicates that this missense variant is not expected to disrupt ASXL2 protein function. ClinVar contains an entry for this variant (Variation ID: 1503156). This variant has not been reported in the literature in individuals affected with ASXL2-related conditions. This variant is not present in population databases (gnomAD no frequency). This sequence change replaces serine, which is neutral and polar, with arginine, which is basic and polar, at codon 945 of the ASXL2 protein (p.Ser945Arg).

NM_018263.6(ASXL2):c.2833A>C (p.Ser945Arg)

Gene: ASXL2 (ASXL transcriptional regulator 2; minus strand). Cytogenetic location: 2p23.3.
Variant type: single nucleotide variant.
Coding change: c.2833A>C on transcript NM_018263.6 (MANE Select); coding-DNA position 2833, A replaced by C.
Protein change: p.Ser945Arg; replaces serine 945 with arginine.
Molecular consequence: missense variant.
Genome position (GRCh38, 1-based): chr2:25,743,504, T>G on the plus strand (A>C on the coding strand, the complement: ASXL2 is on the minus strand). VCF-style: chr2-25743504-T-G. GRCh37 (hg19) VCF-style: chr2-25966373-T-G.
Other names: c.2659A>C, p.Ser887Arg (NM_001369346.1); c.2053A>C, p.Ser685Arg (NM_001369347.1); short protein forms S887R, S945R, S685R.
Identifiers: ClinVar variation 1503156 (VCV001503156.6), dbSNP rs2087876201, ClinGen allele CA346080215.
Genomic context (GRCh38, chr2:25,743,504, plus strand): 5'-CCATGGGAACATCTTTGCCTTGAAGCAGCTGAGTCACTAAAGGATTATTAGCAGGGATAC[T>G]AGAGGTTGGTCTTAAAGTGGGTCCATTCATGTTTAAAGAAGTTCCTGGGGTTTTAAGGCT-3'
Protein context (NP_060733.4, residues 935-955): MNGPTLRPTS[Ser945Arg]IPANNPLVTQ